The following is an entry in ClinVar:

NM_001348768.2(HECW2):c.1166G>A (p.Ser389Asn)

Gene: HECW2 (HECT, C2 and WW domain containing E3 ubiquitin protein ligase 2; minus strand). Cytogenetic location: 2q32.3.
Variant type: single nucleotide variant.
Coding change: c.1166G>A on transcript NM_001348768.2 (MANE Select); coding-DNA position 1166, G replaced by A.
Protein change: p.Ser389Asn; replaces serine 389 with asparagine.
Molecular consequence: missense variant.
Genome position (GRCh38, 1-based): chr2:196,319,724, C>T on the plus strand (G>A on the coding strand, the complement: HECW2 is on the minus strand). VCF-style: chr2-196319724-C-T. GRCh37 (hg19) VCF-style: chr2-197184448-C-T.
Other names: c.98G>A, p.Ser33Asn (NM_001304840.3); c.1166G>A, p.Ser389Asn (NM_020760.4); short protein forms S33N, S389N.
Identifiers: ClinVar variation 1028183 (VCV001028183.1), dbSNP rs1691867456, ClinGen allele CA349966795.

ClinVar aggregate classification (germline): Uncertain significance (1 of 4 stars; one submission).

Conditions:
Neurodevelopmental disorder with hypotonia, seizures, and absent language (NDHSAL). Identifiers: MedGen C4310643, MONDO:0014995, OMIM 617268.

Submission:

Baylor Genetics
Classification: Uncertain significance for Neurodevelopmental disorder with hypotonia, seizures, and absent language. Last evaluated: 2019-11-20. Review status: criteria provided, single submitter. Criteria: ACMG Guidelines, 2015. Collection method: clinical testing. Allele origin: unknown. Affected: yes.
Comment: This variant was determined to be of uncertain significance according to ACMG Guidelines, 2015 [PMID:25741868].